The following is an entry in ClinVar:

ClinVar aggregate classification (germline): Conflicting classifications of pathogenicity. Review status: criteria provided, conflicting classifications (1 of 4 stars). 5 submissions from 5 submitters: Pathogenic (2); Likely pathogenic (1); Uncertain significance (1). 1 of the submissions does not count toward it. Last evaluated 2025-08-04.

Conditions:
Autosomal recessive limb-girdle muscular dystrophy type 2O. Also called: MUSCULAR DYSTROPHY-DYSTROGLYCANOPATHY (LIMB-GIRDLE), TYPE C, 3; MUSCULAR DYSTROPHY-DYSTROGLYCANOPATHY, LIMB-GIRDLE, POMGNT1-RELATED; Limb-Girdle Muscular Dystrophy Type 3C. Identifiers: Orphanet 206564, MedGen C3150417, MONDO:0013161, OMIM 613157.
Muscular dystrophy-dystroglycanopathy (congenital with impaired intellectual development), type B, 3. Also called: Muscular dystrophy-dystroglycanopathy (congenital with intellectual disability), type B3; MUSCULAR DYSTROPHY, CONGENITAL, POMGNT1-RELATED. Identifiers: MedGen C3150412, MONDO:0013155, OMIM 613151.
Muscular dystrophy-dystroglycanopathy (congenital with brain and eye anomalies), type A3. Also called: Muscular dystrophy-dystroglycanopathy (congenital with brain and eye anomalies), type A, 3; Congenital muscular dystrophy-dystroglycanopathy with brain and eye anomalies, type A3; WALKER-WARBURG SYNDROME OR MUSCLE-EYE-BRAIN DISEASE, POMGNT1-RELATED. Identifiers: MedGen C3151519, MONDO:0009667, OMIM 253280.
Muscle eye brain disease (MEB). Also called: Santavuori congenital muscular dystrophy. Identifiers: Orphanet 588, Orphanet 899, MedGen C0457133, MONDO:0018939.

Allele frequency attached by ClinVar (database versions not stated): gnomAD exomes below 0.00001; TOPMed 0.00001.
gnomAD v4.1: 3 of 1,614,238 alleles (0.00019%); highest among the groups gnomAD compares: East Asian, 0.0045%; no homozygotes.

Submissions (5):

Natera, Inc.
Classification: Likely pathogenic for Muscle-eye-brain disease. Last evaluated: 2025-08-04. Review status: criteria provided, single submitter. Criteria: Natera Variant Classification Schema (03/2026). Collection method: clinical testing. Allele origin: germline.
Comment: The c.667G>A variant in POMGNT1 is a missense variant predicted to cause substitution of glutamic acid to lysine at amino acid 223. This variant is rare in the general population with a frequency below the threshold expected for the associated phenotype(s). This variant has been observed in one or more individuals affected with the associated recessive disease, as either homozygous or compound heterozygous with a second variant (PMID: 12588800). Functional studies show that this variant may disrupt protein function (PMID: 12788071). Computational prediction algorithms indicate this variant is likely to affect gene or protein function. Given the available evidence, this variant is classified as Likely Pathogenic.

GeneDx
Classification: Pathogenic. Last evaluated: 2025-03-04. Review status: criteria provided, single submitter. Criteria: GeneDx Variant Classification Process June 2021. Collection method: clinical testing. Allele origin: germline. Affected: yes.
Comment: Published functional studies demonstrate a damaging effect as this variant results in no catalytic activity (PMID: 21361872, 12788071); In silico analysis supports that this missense variant has a deleterious effect on protein structure/function; Not observed at significant frequency in large population cohorts (gnomAD); This variant is associated with the following publications: (PMID: 25525159, 33200426, 21361872, 12788071, 33175337, 35863218, 27391550, 15207699, 27493216, 24733390, 24282183, 12588800)

Baylor Genetics
Classification: Pathogenic for Muscular dystrophy-dystroglycanopathy (congenital with brain and eye anomalies), type A3. Last evaluated: 2022-07-25. Review status: criteria provided, single submitter. Criteria: ACMG Guidelines, 2015. Collection method: clinical testing. Allele origin: unknown.

Labcorp Genetics (formerly Invitae), Labcorp
Classification: Uncertain significance for Autosomal recessive limb-girdle muscular dystrophy type 2O; Muscular dystrophy-dystroglycanopathy (congenital with impaired intellectual development), type B, 3. Last evaluated: 2022-02-28. Review status: criteria provided, single submitter. Criteria: Invitae Variant Classification Sherloc (09022015). Collection method: clinical testing. Allele origin: germline.
Comment: This sequence change replaces glutamic acid, which is acidic and polar, with lysine, which is basic and polar, at codon 223 of the POMGNT1 protein (p.Glu223Lys). This variant is not present in population databases (gnomAD no frequency). This missense change has been observed in individuals with POMGNT1-related conditions (PMID: 12588800). ClinVar contains an entry for this variant (Variation ID: 56606). Advanced modeling of protein sequence and biophysical properties (such as structural, functional, and spatial information, amino acid conservation, physicochemical variation, residue mobility, and thermodynamic stability) performed at Invitae indicates that this missense variant is not expected to disrupt POMGNT1 protein function. Experimental studies have shown that this missense change affects POMGNT1 function (PMID: 21361872, 24733390). In summary, the available evidence is currently insufficient to determine the role of this variant in disease. Therefore, it has been classified as a Variant of Uncertain Significance.

Juha Muilu Group; Institute for Molecular Medicine Finland (FIMM)
Classification: Likely pathogenic for Muscle eye brain disease. Review status: no assertion criteria provided. Collection method: not provided. Allele origin: unknown. Not counted in ClinVar's aggregate classification.
Comment: FinDis database variant: This variant was not found or characterized by our laboratory, data were collected from public sources: see reference
ClinVar note: Converted during submission from probable-pathogenic to Likely pathogenic.

Literature cited by the submitters: PubMed 12588800 (cited by Natera, Inc. and Labcorp Genetics (formerly Invitae), Labcorp); PubMed 12788071 (cited by Natera, Inc.); PubMed 21361872 (cited by Labcorp Genetics (formerly Invitae), Labcorp); PubMed 24733390 (cited by Labcorp Genetics (formerly Invitae), Labcorp).

NM_017739.4(POMGNT1):c.667G>A (p.Glu223Lys)

Genes: POMGNT1 (protein O-linked mannose N-acetylglucosaminyltransferase 1 (beta 1,2-); minus strand), TSPAN1 (tetraspanin 1; plus strand). Cytogenetic location: 1p34.1.
Variant type: single nucleotide variant.
Coding change: c.667G>A on transcript NM_017739.4 (MANE Select); coding-DNA position 667, G replaced by A.
Protein change: p.Glu223Lys; replaces glutamic acid 223 with lysine.
Molecular consequence: missense variant.
Genome position (GRCh38, 1-based): chr1:46,194,637, C>T on the plus strand (G>A on the coding strand, the complement: POMGNT1 is on the minus strand). VCF-style: chr1-46194637-C-T. GRCh37 (hg19) VCF-style: chr1-46660309-C-T.
Other names: c.667G>A, p.Glu223Lys (NM_001243766.2, NM_001410783.1); c.601G>A, p.Glu201Lys (NM_001290129.3); c.238G>A, p.Glu80Lys (NM_001290130.2); short protein forms E223K, E201K, E80K.
Identifiers: ClinVar variation 56606 (VCV000056606.7), dbSNP rs386834036, ClinGen allele CA263984.